The following is an entry in ClinVar:

NM_001004310.3(FCRL6):c.877T>C (p.Ser293Pro)

Gene: FCRL6 (Fc receptor like 6; plus strand). Cytogenetic location: 1q23.2.
Variant type: single nucleotide variant.
Coding change: c.877T>C on transcript NM_001004310.3 (MANE Select); coding-DNA position 877, T replaced by C.
Protein change: p.Ser293Pro; replaces serine 293 with proline.
Molecular consequence: missense variant.
Genome position (GRCh38, 1-based): chr1:159,809,674, T>C. VCF-style: chr1-159809674-T-C. GRCh37 (hg19) VCF-style: chr1-159779464-T-C.
Other names: c.898T>C, p.Ser300Pro (NM_001284217.2); short protein forms S293P, S300P.
Identifiers: ClinVar variation 402860 (VCV000402860.5), dbSNP rs115855950, ClinGen allele CA1189792.

ClinVar aggregate classification (germline): Benign. Review status: criteria provided, multiple submitters, no conflicts (2 of 4 stars). 2 submissions from 2 submitters: Benign (2). Last evaluated 2016-03-28.

Allele frequency attached by ClinVar (database versions not stated): gnomAD exomes 0.00441 and 0.01183; ExAC 0.01486; gnomAD 0.04409 and 0.04696; TOPMed 0.04910; 1000 Genomes Project 0.05232; 1000 Genomes Project 30x 0.05543.
gnomAD v4.1: 13,452 of 1,613,720 alleles (0.83%); highest among the groups gnomAD compares: African/African-American, 15%; 886 homozygotes.

Submissions (2):

Laboratory for Molecular Medicine, Mass General Brigham Personalized Medicine
Classification: Benign. Last evaluated: 2016-03-28. Review status: criteria provided, single submitter. Criteria: LMM Criteria. Collection method: clinical testing. Allele origin: germline.
Comment: Variant identified in a genome or exome case(s) and assessed due to predicted null impact of the variant or pathogenic assertions in the literature or databases. Disclaimer: This variant has not undergone full assessment. The following are preliminary notes: Frequency

Breakthrough Genomics
Classification: Benign. Review status: criteria provided, single submitter. Criteria: ACMG Guidelines, 2015. Collection method: not provided. Allele origin: germline. Inheritance: Unknown mechanism. Affected: yes.